The following is an entry in ClinVar:

NM_001035.3(RYR2):c.12320A>T (p.Glu4107Val)

Gene: RYR2 (ryanodine receptor 2; plus strand). Cytogenetic location: 1q43.
Variant type: single nucleotide variant.
Coding change: c.12320A>T on transcript NM_001035.3 (MANE Select); coding-DNA position 12320, A replaced by T.
Protein change: p.Glu4107Val; replaces glutamic acid 4107 with valine.
Molecular consequence: missense variant.
Genome position (GRCh38, 1-based): chr1:237,784,032, A>T. VCF-style: chr1-237784032-A-T. GRCh37 (hg19) VCF-style: chr1-237947332-A-T.
Other names: short protein forms E4107V.
Identifiers: ClinVar variation 2071132 (VCV002071132.4), dbSNP rs2149353356, ClinGen allele CA345412958.
Genomic context (GRCh38, chr1:237,784,032, plus strand): 5'-TCCACGAACCTGCGAAGGACATCGGCTTCAACGTCGCCGTCCTTCTGACAAACCTCTCTG[A>T]GCACATGCCCAACGATACCCGACTTCAGACTTTTCTGGAATTAGCAGAGAGCGTCCTGAA-3'
Protein context (NP_001026.2, residues 4097-4117): NVAVLLTNLS[Glu4107Val]HMPNDTRLQT

ClinVar aggregate classification (germline): Uncertain significance (1 of 4 stars; one submission).

Conditions:
Catecholaminergic polymorphic ventricular tachycardia 1. Also called: RYR2-Related Catecholaminergic Polymorphic Ventricular Tachycardia; VENTRICULAR TACHYCARDIA, STRESS-INDUCED POLYMORPHIC 1; VENTRICULAR TACHYCARDIA, CATECHOLAMINERGIC POLYMORPHIC, 1, WITH OR WITHOUT ATRIAL DYSFUNCTION AND/OR DILATED CARDIOMYOPATHY. Identifiers: Orphanet 3286, MedGen C1631597, MONDO:0011484, OMIM 604772.

Submission:

Labcorp Genetics (formerly Invitae), Labcorp
Classification: Uncertain significance for Catecholaminergic polymorphic ventricular tachycardia 1. Last evaluated: 2022-01-02. Review status: criteria provided, single submitter. Criteria: Invitae Variant Classification Sherloc (09022015). Collection method: clinical testing. Allele origin: germline.
Comment: Advanced modeling of protein sequence and biophysical properties (such as structural, functional, and spatial information, amino acid conservation, physicochemical variation, residue mobility, and thermodynamic stability) performed at Invitae indicates that this missense variant is expected to disrupt RYR2 protein function. In summary, the available evidence is currently insufficient to determine the role of this variant in disease. Therefore, it has been classified as a Variant of Uncertain Significance. This variant has not been reported in the literature in individuals affected with RYR2-related conditions. This variant is not present in population databases (gnomAD no frequency). This sequence change replaces glutamic acid, which is acidic and polar, with valine, which is neutral and non-polar, at codon 4107 of the RYR2 protein (p.Glu4107Val).